The following is an entry in ClinVar:

NM_177438.3(DICER1):c.539C>G (p.Ala180Gly)

Gene: DICER1 (dicer 1, ribonuclease III; minus strand). Cytogenetic location: 14q32.13.
Variant type: single nucleotide variant.
Coding change: c.539C>G on transcript NM_177438.3 (MANE Select); coding-DNA position 539, C replaced by G.
Protein change: p.Ala180Gly; replaces alanine 180 with glycine.
Molecular consequence: missense variant. On other transcripts: 5 prime UTR variant (1), non-coding transcript variant (6), intron variant (1).
Genome position (GRCh38, 1-based): chr14:95,130,092, G>C on the plus strand (C>G on the coding strand, the complement: DICER1 is on the minus strand). VCF-style: chr14-95130092-G-C. GRCh37 (hg19) VCF-style: chr14-95596429-G-C.
Other names: c.539C>G, p.Ala180Gly (NM_001195573.1, NM_001271282.3, NM_001291628.2 and 15 more transcripts); c.257C>G, p.Ala86Gly (NM_001395686.1); c.134C>G, p.Ala45Gly (NM_001395687.1, NM_001395688.1, NM_001395689.1 and 3 more transcripts); c.-1030C>G (NM_001395697.1); c.-20-9C>G (NM_001395691.1); short protein forms A45G, A180G, A86G.
Identifiers: ClinVar variation 2836612 (VCV002836612.3), dbSNP rs375454363, ClinGen allele CA7331644.
Genomic context (GRCh38, chr14:95,130,092, plus strand): 5'-TACTAAGACTTAGGTCTAAAACTTACCTTCATAATTTCTCGATAGGGGTGGTCTAGGATT[G>C]CAAGATGACACTCATCAAACACCAAAAGGTTAATGTCTGACAGTGATAAGTAACCATTTT-3'
Protein context (NP_803187.1, residues 170-190): NLLVFDECHL[Ala180Gly]ILDHPYREIM

ClinVar aggregate classification (germline): Uncertain significance (1 of 4 stars; one submission).

Conditions:
DICER1-related tumor predisposition. Also called: DICER1-related pleuropulmonary blastoma cancer predisposition syndrome; DICER1 syndrome. Identifiers: Orphanet 284343, MedGen C3839822, MONDO:0100216.

Allele frequency attached by ClinVar (database versions not stated): gnomAD exomes 0.00001; ExAC 0.00003.
gnomAD v4.1: 7 of 1,613,450 alleles (0.00043%); highest among the groups gnomAD compares: Non-Finnish European, 0.00059%; no homozygotes.

Submission:

Labcorp Genetics (formerly Invitae), Labcorp
Classification: Uncertain significance for DICER1-related tumor predisposition. Last evaluated: 2023-02-16. Review status: criteria provided, single submitter. Criteria: Invitae Variant Classification Sherloc (09022015). Collection method: clinical testing. Allele origin: germline.
Comment: Advanced modeling of protein sequence and biophysical properties (such as structural, functional, and spatial information, amino acid conservation, physicochemical variation, residue mobility, and thermodynamic stability) performed at Invitae indicates that this missense variant is not expected to disrupt DICER1 protein function. This variant has not been reported in the literature in individuals affected with DICER1-related conditions. This variant is present in population databases (rs375454363, gnomAD 0.004%). This sequence change replaces alanine, which is neutral and non-polar, with glycine, which is neutral and non-polar, at codon 180 of the DICER1 protein (p.Ala180Gly). In summary, the available evidence is currently insufficient to determine the role of this variant in disease. Therefore, it has been classified as a Variant of Uncertain Significance.